The following is an entry in ClinVar:

ClinVar aggregate classification (germline): Conflicting classifications of pathogenicity. Review status: criteria provided, conflicting classifications (1 of 4 stars). 2 submissions from 2 submitters: Uncertain significance (1); Likely benign (1). Last evaluated 2024-05-30.

Allele frequency attached by ClinVar (database versions not stated): gnomAD exomes 0.00006 and 0.00010; ExAC 0.00007; ESP Exome Variant Server 0.00008; gnomAD 0.00013 and 0.00014; 1000 Genomes Project 30x 0.00016; 1000 Genomes Project 0.00020; TOPMed 0.00021.
gnomAD v4.1: 112 of 1,609,014 alleles (0.007%); highest among the groups gnomAD compares: Admixed American, 0.05%; no homozygotes.

Submissions (3):

Blueprint Genetics
Classification: Likely benign. Last evaluated: 2024-05-30. Review status: criteria provided, single submitter. Criteria: ACMG Guidelines, 2015. Collection method: clinical testing. Allele origin: germline.

Labcorp Genetics (formerly Invitae), Labcorp
Classification: Uncertain significance. Last evaluated: 2024-01-07. Review status: criteria provided, single submitter. Criteria: Invitae Variant Classification Sherloc (09022015). Collection method: clinical testing. Allele origin: germline.
Comment: This sequence change falls in intron 8 of the P3H2 gene. It does not directly change the encoded amino acid sequence of the P3H2 protein. It affects a nucleotide within the consensus splice site. This variant is present in population databases (rs200679629, gnomAD 0.03%). This variant has not been reported in the literature in individuals affected with P3H2-related conditions. ClinVar contains an entry for this variant (Variation ID: 857504). Variants that disrupt the consensus splice site are a relatively common cause of aberrant splicing (PMID: 17576681, 9536098). Algorithms developed to predict the effect of sequence changes on RNA splicing suggest that this variant is not likely to affect RNA splicing. In summary, the available evidence is currently insufficient to determine the role of this variant in disease. Therefore, it has been classified as a Variant of Uncertain Significance.

Dr. Peter K. Rogan Lab, Western University
No classification provided (evidence only). Condition: Cholangiocarcinoma. Review status: no classification provided. Collection method: in vitro. Allele origin: not applicable. Functional consequence: retained intron. Not counted in ClinVar's aggregate classification.

Literature cited by the submitters: PubMed 17576681 (cited by Labcorp Genetics (formerly Invitae), Labcorp); PubMed 9536098 (cited by Labcorp Genetics (formerly Invitae), Labcorp).

NM_018192.4(P3H2):c.1324+5G>A

Gene: P3H2 (prolyl 3-hydroxylase 2; minus strand). Cytogenetic location: 3q28.
Variant type: single nucleotide variant.
Coding change: c.1324+5G>A on transcript NM_018192.4 (MANE Select); 5 bases into the intron after coding-DNA position 1324, G replaced by A.
Molecular consequence: intron variant.
Genome position (GRCh38, 1-based): chr3:189,983,041, C>T on the plus strand (G>A on the coding strand, the complement: P3H2 is on the minus strand). VCF-style: chr3-189983041-C-T. GRCh37 (hg19) VCF-style: chr3-189700830-C-T.
Other names: c.781+5G>A (NM_001134418.2).
Identifiers: ClinVar variation 857504 (VCV000857504.7), dbSNP rs200679629, ClinGen allele CA2752982.